The following is an entry in ClinVar:

ClinVar aggregate classification (germline): Uncertain significance (1 of 4 stars; one submission).

Allele frequency attached by ClinVar (database versions not stated): TOPMed 0.00002; gnomAD 0.00003.

Submission:

Labcorp Genetics (formerly Invitae), Labcorp
Classification: Uncertain significance. Last evaluated: 2022-07-19. Review status: criteria provided, single submitter. Criteria: Invitae Variant Classification Sherloc (09022015). Collection method: clinical testing. Allele origin: germline.
Comment: This sequence change replaces alanine, which is neutral and non-polar, with valine, which is neutral and non-polar, at codon 356 of the LHX3 protein (p.Ala356Val). This variant is present in population databases (no rsID available, gnomAD 0.06%). This variant has not been reported in the literature in individuals affected with LHX3-related conditions. Algorithms developed to predict the effect of missense changes on protein structure and function are either unavailable or do not agree on the potential impact of this missense change (SIFT: "Not Available"; PolyPhen-2: "Benign"; Align-GVGD: "Not Available"). In summary, the available evidence is currently insufficient to determine the role of this variant in disease. Therefore, it has been classified as a Variant of Uncertain Significance.

NM_178138.6(LHX3):c.1052C>T (p.Ala351Val)

Gene: LHX3 (LIM homeobox 3; minus strand). Cytogenetic location: 9q34.3.
Variant type: single nucleotide variant.
Coding change: c.1052C>T on transcript NM_178138.6 (MANE Select); coding-DNA position 1052, C replaced by T.
Protein change: p.Ala351Val; replaces alanine 351 with valine.
Molecular consequence: missense variant.
Genome position (GRCh38, 1-based): chr9:136,197,467, G>A on the plus strand (C>T on the coding strand, the complement: LHX3 is on the minus strand). VCF-style: chr9-136197467-G-A. GRCh37 (hg19) VCF-style: chr9-139089313-G-A.
Other names: c.1019C>T, p.Ala340Val (NM_001363746.1); c.1067C>T, p.Ala356Val (NM_014564.5); short protein forms A340V, A351V, A356V.
Identifiers: ClinVar variation 1904287 (VCV001904287.2), dbSNP rs1186086532, ClinGen allele CA375518602.